The following is an entry in ClinVar:

NM_001080414.4(CCDC88C):c.2491G>A (p.Glu831Lys)

Gene: CCDC88C (coiled-coil domain containing 88C; minus strand). Cytogenetic location: 14q32.11.
Variant type: single nucleotide variant.
Coding change: c.2491G>A on transcript NM_001080414.4 (MANE Select); coding-DNA position 2491, G replaced by A.
Protein change: p.Glu831Lys; replaces glutamic acid 831 with lysine.
Molecular consequence: missense variant. On other transcripts: non-coding transcript variant (2).
Genome position (GRCh38, 1-based): chr14:91,313,325, C>T on the plus strand (G>A on the coding strand, the complement: CCDC88C is on the minus strand). VCF-style: chr14-91313325-C-T. GRCh37 (hg19) VCF-style: chr14-91779669-C-T.
Other names: short protein forms E831K.
Identifiers: ClinVar variation 3603603 (VCV003603603.1).

ClinVar aggregate classification (germline): Uncertain significance (1 of 4 stars; one submission).

gnomAD v4.1: 46 of 1,613,362 alleles (0.0029%); highest among the groups gnomAD compares: Non-Finnish European, 0.0035%; no homozygotes.

Submission:

Labcorp Genetics (formerly Invitae), Labcorp
Classification: Uncertain significance. Last evaluated: 2024-10-30. Review status: criteria provided, single submitter. Criteria: Invitae Variant Classification Sherloc (09022015). Collection method: clinical testing. Allele origin: germline.
Comment: This sequence change replaces glutamic acid, which is acidic and polar, with lysine, which is basic and polar, at codon 831 of the CCDC88C protein (p.Glu831Lys). This variant is present in population databases (rs748135926, gnomAD 0.006%). This missense change has been observed in individual(s) with clinical features of spinocerebellar ataxia (PMID: 35531120). An algorithm developed to predict the effect of missense changes on protein structure and function (PolyPhen-2) suggests that this variant is likely to be disruptive. In summary, the available evidence is currently insufficient to determine the role of this variant in disease. Therefore, it has been classified as a Variant of Uncertain Significance.

Literature cited by the submitters: PubMed 35531120.